The following is an entry in ClinVar:

NM_006364.4(SEC23A):c.1201G>A (p.Gly401Ser)

Gene: SEC23A (SEC23 homolog A, COPII component; minus strand). Cytogenetic location: 14q21.1.
Variant type: single nucleotide variant.
Coding change: c.1201G>A on transcript NM_006364.4 (MANE Select); coding-DNA position 1201, G replaced by A.
Protein change: p.Gly401Ser; replaces glycine 401 with serine.
Molecular consequence: missense variant.
Genome position (GRCh38, 1-based): chr14:39,067,199, C>T on the plus strand (G>A on the coding strand, the complement: SEC23A is on the minus strand). VCF-style: chr14-39067199-C-T. GRCh37 (hg19) VCF-style: chr14-39536403-C-T.
Other names: short protein forms G401S.
Identifiers: ClinVar variation 4741653 (VCV004741653.1).

ClinVar aggregate classification (germline): Uncertain significance (1 of 4 stars; one submission).

Conditions:
Craniolenticulosutural dysplasia (CLSD). Also called: BOYADJIEV-JABS SYNDROME. Identifiers: Orphanet 50814, MedGen C1843042, MONDO:0011911, OMIM 607812.

Submission:

Labcorp Genetics (formerly Invitae), Labcorp
Classification: Uncertain significance for Craniolenticulosutural dysplasia. Last evaluated: 2025-11-16. Review status: criteria provided, single submitter. Criteria: Invitae Variant Classification Sherloc (09022015). Collection method: clinical testing. Allele origin: germline.
Comment: This sequence change replaces glycine, which is neutral and non-polar, with serine, which is neutral and polar, at codon 401 of the SEC23A protein (p.Gly401Ser). This variant is not present in population databases (gnomAD no frequency). This variant has not been reported in the literature in individuals affected with SEC23A-related conditions. Invitae Evidence Modeling of protein sequence and biophysical properties (such as structural, functional, and spatial information, amino acid conservation, physicochemical variation, residue mobility, and thermodynamic stability) indicates that this missense variant is not expected to disrupt SEC23A protein function with a negative predictive value of 80%. In summary, the available evidence is currently insufficient to determine the role of this variant in disease. Therefore, it has been classified as a Variant of Uncertain Significance.